The following is an entry in ClinVar:

ClinVar aggregate classification (germline): Uncertain significance (1 of 4 stars; one submission).

Conditions:
Nemaline myopathy 8 (NEM8). Also called: Nemaline myopathy 8, autosomal recessive. Identifiers: Orphanet 171430, MedGen C3809209, MONDO:0014138, OMIM 615348.

Allele frequency attached by ClinVar (database versions not stated): gnomAD exomes below 0.00001; TOPMed below 0.00001; ExAC 0.00001.
gnomAD v4.1: 1 of 1,612,502 alleles (0.000062%); highest among the groups gnomAD compares: Admixed American, 0.0017%; no homozygotes.

Submission:

Labcorp Genetics (formerly Invitae), Labcorp
Classification: Uncertain significance for Nemaline myopathy 8. Last evaluated: 2022-07-19. Review status: criteria provided, single submitter. Criteria: Invitae Variant Classification Sherloc (09022015). Collection method: clinical testing. Allele origin: germline.
Comment: This sequence change replaces histidine, which is basic and polar, with leucine, which is neutral and non-polar, at codon 47 of the KLHL40 protein (p.His47Leu). This variant is present in population databases (rs759817120, gnomAD 0.003%). In summary, the available evidence is currently insufficient to determine the role of this variant in disease. Therefore, it has been classified as a Variant of Uncertain Significance. Algorithms developed to predict the effect of missense changes on protein structure and function are either unavailable or do not agree on the potential impact of this missense change (SIFT: "Deleterious"; PolyPhen-2: "Probably Damaging"; Align-GVGD: "Class C0"). ClinVar contains an entry for this variant (Variation ID: 845112). This variant has not been reported in the literature in individuals affected with KLHL40-related conditions.

NM_152393.4(KLHL40):c.140A>T (p.His47Leu)

Gene: KLHL40 (kelch like family member 40; plus strand). Cytogenetic location: 3p22.1.
Variant type: single nucleotide variant.
Coding change: c.140A>T on transcript NM_152393.4 (MANE Select); coding-DNA position 140, A replaced by T.
Protein change: p.His47Leu; replaces histidine 47 with leucine.
Molecular consequence: missense variant.
Genome position (GRCh38, 1-based): chr3:42,685,758, A>T. VCF-style: chr3-42685758-A-T. GRCh37 (hg19) VCF-style: chr3-42727250-A-T.
Other names: short protein forms H47L.
Identifiers: ClinVar variation 845112 (VCV000845112.6), dbSNP rs759817120, ClinGen allele CA2336578.